The following is an entry in ClinVar:

NM_003476.5(CSRP3):c.32G>A (p.Gly11Glu)

Gene: CSRP3 (cysteine and glycine rich protein 3; minus strand). Cytogenetic location: 11p15.1.
Variant type: single nucleotide variant.
Coding change: c.32G>A on transcript NM_003476.5 (MANE Select); coding-DNA position 32, G replaced by A.
Protein change: p.Gly11Glu; replaces glycine 11 with glutamic acid.
Molecular consequence: missense variant.
Genome position (GRCh38, 1-based): chr11:19,192,417, C>T on the plus strand (G>A on the coding strand, the complement: CSRP3 is on the minus strand). VCF-style: chr11-19192417-C-T. GRCh37 (hg19) VCF-style: chr11-19213964-C-T.
Other names: c.32G>A, p.Gly11Glu (NM_001369404.1); short protein forms G11E.
Identifiers: ClinVar variation 566002 (VCV000566002.9), dbSNP rs1196538543, ClinGen allele CA379888644.
Genomic context (GRCh38, chr11:19,192,417, plus strand): 5'-TGGAAACTCCTTCCATTGCACTGGATTTCTTCTGCATGGTAGACGGTCTTTTCACAGGCT[C>T]CACATTTTGCGCCTCCGCCCCAGTTTGGCATCTTGAAGACTATCTGGTCAAGGTCAAGTC-3'
Protein context (NP_003467.1, residues 1-21): MPNWGGGAKC[Gly11Glu]ACEKTVYHAE

ClinVar aggregate classification (germline): Uncertain significance (1 of 4 stars; one submission).

Conditions:
Hypertrophic cardiomyopathy 12. Identifiers: MedGen C2677491, MONDO:0012804, OMIM 612124.
Dilated cardiomyopathy 1M (CMD1M). Identifiers: Orphanet 154, MedGen C1843808, MONDO:0011840, OMIM 607482.

Allele frequency attached by ClinVar (database versions not stated): TOPMed below 0.00001.
gnomAD v4.1: 1 of 1,614,166 alleles (0.000062%); highest among the groups gnomAD compares: Non-Finnish European, 0.000085%; no homozygotes.

Submission:

Labcorp Genetics (formerly Invitae), Labcorp
Classification: Uncertain significance for Hypertrophic cardiomyopathy 12; Dilated cardiomyopathy 1M. Last evaluated: 2022-08-23. Review status: criteria provided, single submitter. Criteria: Invitae Variant Classification Sherloc (09022015). Collection method: clinical testing. Allele origin: germline.
Comment: This sequence change replaces glycine, which is neutral and non-polar, with glutamic acid, which is acidic and polar, at codon 11 of the CSRP3 protein (p.Gly11Glu). This variant is not present in population databases (gnomAD no frequency). This variant has not been reported in the literature in individuals affected with CSRP3-related conditions. ClinVar contains an entry for this variant (Variation ID: 566002). Algorithms developed to predict the effect of missense changes on protein structure and function are either unavailable or do not agree on the potential impact of this missense change (SIFT: "Tolerated"; PolyPhen-2: "Possibly Damaging"; Align-GVGD: "Class C15"). In summary, the available evidence is currently insufficient to determine the role of this variant in disease. Therefore, it has been classified as a Variant of Uncertain Significance.